The following is an entry in ClinVar:

ClinVar aggregate classification (germline): Uncertain significance (1 of 4 stars; one submission).

Conditions:
Charcot-Marie-Tooth disease, type I (CMT1). Also called: Charcot-Marie-Tooth, Type 1; Charcot-Marie-Tooth disease type 1. Identifiers: Orphanet 65753, MedGen C0751036, MONDO:0019011.

Submission:

Labcorp Genetics (formerly Invitae), Labcorp
Classification: Uncertain significance for Charcot-Marie-Tooth disease, type I. Last evaluated: 2025-03-03. Review status: criteria provided, single submitter. Criteria: Invitae Variant Classification Sherloc (09022015). Collection method: clinical testing. Allele origin: germline.
Comment: This sequence change replaces histidine, which is basic and polar, with leucine, which is neutral and non-polar, at codon 12 of the PMP22 protein (p.His12Leu). This variant is not present in population databases (gnomAD no frequency). This variant has not been reported in the literature in individuals affected with PMP22-related conditions. An algorithm developed to predict the effect of missense changes on protein structure and function (PolyPhen-2) suggests that this variant is likely to be tolerated. This variant disrupts the p.His12 amino acid residue in PMP22. Other variant(s) that disrupt this residue have been determined to be pathogenic (PMID: 7728152, 10078969). This suggests that this residue is clinically significant, and that variants that disrupt this residue are likely to be disease-causing. In summary, the available evidence is currently insufficient to determine the role of this variant in disease. Therefore, it has been classified as a Variant of Uncertain Significance.

Literature cited by the submitters: PubMed 7728152; PubMed 10078969.

NM_000304.4(PMP22):c.35A>T (p.His12Leu)

Gene: PMP22 (peripheral myelin protein 22; minus strand). Cytogenetic location: 17p12.
Variant type: single nucleotide variant.
Coding change: c.35A>T on transcript NM_000304.4 (MANE Select); coding-DNA position 35, A replaced by T.
Protein change: p.His12Leu; replaces histidine 12 with leucine.
Molecular consequence: missense variant.
Genome position (GRCh38, 1-based): chr17:15,260,693, T>A on the plus strand (A>T on the coding strand, the complement: PMP22 is on the minus strand). VCF-style: chr17-15260693-T-A. GRCh37 (hg19) VCF-style: chr17-15164010-T-A.
Other names: c.35A>T, p.His12Leu (NM_001281455.2, NM_001281456.2, NM_001330143.2 and 2 more transcripts); short protein forms H12L.
Identifiers: ClinVar variation 3724695 (VCV003724695.2).
Genomic context (GRCh38, chr17:15,260,693, plus strand): 5'-CCCCGCCAGGCACTCACGCTGACGATCGTGGAGACGAACAGCAGCACCAGCACCGCGACG[T>A]GGAGGACGATGATACTCAGCAACAGGAGGAGCATTCTGGCGGCAAGTTCTGCTCAGCGGA-3'
Protein context (NP_000295.1, residues 2-22): LLLLLSIIVL[His12Leu]VAVLVLLFVS